The following is an entry in ClinVar:

ClinVar aggregate classification (germline): Uncertain significance (1 of 4 stars; one submission).

Conditions:
Perlman syndrome (PRLMNS). Identifiers: Orphanet 2849, MedGen C0796113, MONDO:0009965, OMIM 267000.

Submission:

Labcorp Genetics (formerly Invitae), Labcorp
Classification: Uncertain significance for Perlman syndrome. Last evaluated: 2023-07-19. Review status: criteria provided, single submitter. Criteria: Invitae Variant Classification Sherloc (09022015). Collection method: clinical testing. Allele origin: unknown.
Comment: In summary, the available evidence is currently insufficient to determine the role of this variant in disease. Therefore, it has been classified as a Variant of Uncertain Significance. This variant has not been reported in the literature in individuals affected with DIS3L2-related conditions. This variant results in a copy number gain of the genomic region encompassing exon(s) 10-21 of the DIS3L2 gene. This region includes the termination codon of the gene. This copy number gain extends beyond the assayed region for this gene and therefore may encompass additional genes. As the precise location of this event is unknown, it may be in tandem or it may be located elsewhere in the genome.

NC_000002.11:g.(?_233075026)_(233201340_?)dup

Gene: DIS3L2 (DIS3 like 3'-5' exoribonuclease 2; plus strand). Cytogenetic location: 2q37.1.
Variant type: Duplication.
Identifiers: ClinVar variation 3247214 (VCV003247214.1).